The following is an entry in ClinVar:

ClinVar aggregate classification (germline): Uncertain significance (1 of 4 stars; one submission).

Conditions:
Congenital contractural arachnodactyly (CCA). Also called: BEALS SYNDROME; Beals-Hecht syndrome; Arthrogryposis, distal, type 9. Identifiers: Orphanet 115, MedGen C0220668, MONDO:0007363, OMIM 121050.

Allele frequency attached by ClinVar (database versions not stated): gnomAD exomes below 0.00001; TOPMed below 0.00001.
gnomAD v4.1: 2 of 1,613,814 alleles (0.00012%); highest among the groups gnomAD compares: Non-Finnish European, 0.00017%; no homozygotes.

Submission:

Labcorp Genetics (formerly Invitae), Labcorp
Classification: Uncertain significance for Congenital contractural arachnodactyly. Last evaluated: 2026-01-06. Review status: criteria provided, single submitter. Criteria: Invitae Variant Classification Sherloc (09022015). Collection method: clinical testing. Allele origin: germline.
Comment: This sequence change replaces aspartic acid, which is acidic and polar, with asparagine, which is neutral and polar, at codon 2654 of the FBN2 protein (p.Asp2654Asn). This variant also falls at the last nucleotide of exon 62, which is part of the consensus splice site for this exon. This variant is not present in population databases (gnomAD no frequency). This missense change has been observed in individual(s) with clinical features of thoracic aortic aneurysm and dissection (internal data). ClinVar contains an entry for this variant (Variation ID: 2893923). An algorithm developed to predict the effect of missense changes on protein structure and function (PolyPhen-2) suggests that this variant is likely to be disruptive. Variants that disrupt the consensus splice site are a relatively common cause of aberrant splicing (PMID: 17576681, 9536098). In summary, the available evidence is currently insufficient to determine the role of this variant in disease. Therefore, it has been classified as a Variant of Uncertain Significance.

Literature cited by the submitters: PubMed 17576681; PubMed 9536098.

NM_001999.4(FBN2):c.7960G>A (p.Asp2654Asn)

Gene: FBN2 (fibrillin 2; minus strand). Cytogenetic location: 5q23.3.
Variant type: single nucleotide variant.
Coding change: c.7960G>A on transcript NM_001999.4 (MANE Select); coding-DNA position 7960, G replaced by A.
Protein change: p.Asp2654Asn; replaces aspartic acid 2654 with asparagine.
Molecular consequence: missense variant.
Genome position (GRCh38, 1-based): chr5:128,271,999, C>T on the plus strand (G>A on the coding strand, the complement: FBN2 is on the minus strand). VCF-style: chr5-128271999-C-T. GRCh37 (hg19) VCF-style: chr5-127607691-C-T.
Other names: short protein forms D2654N.
Identifiers: ClinVar variation 2893923 (VCV002893923.3), dbSNP rs1765279135, ClinGen allele CA360751437.